The following is an entry in ClinVar:

NM_001374736.1(DST):c.20890T>G (p.Ser6964Ala)

Gene: DST (dystonin; minus strand). Cytogenetic location: 6p12.1.
Variant type: single nucleotide variant.
Coding change: c.20890T>G on transcript NM_001374736.1 (MANE Select); coding-DNA position 20890, T replaced by G.
Protein change: p.Ser6964Ala; replaces serine 6964 with alanine.
Molecular consequence: missense variant.
Genome position (GRCh38, 1-based): chr6:56,487,261, A>C on the plus strand (T>G on the coding strand, the complement: DST is on the minus strand). VCF-style: chr6-56487261-A-C. GRCh37 (hg19) VCF-style: chr6-56352059-A-C.
Other names: c.14533T>G, p.Ser4845Ala (NM_001144769.5); c.14119T>G, p.Ser4707Ala (NM_001144770.2); c.20890T>G, p.Ser6964Ala (NM_001374722.1); c.19930T>G, p.Ser6644Ala (NM_001374729.1); c.13672T>G, p.Ser4558Ala (NM_001374730.1); c.20917T>G, p.Ser6973Ala (NM_001374734.1); c.13999T>G, p.Ser4667Ala (NM_001386100.1, NM_183380.4); c.13021T>G, p.Ser4341Ala (NM_015548.5); short protein forms S4845A, S4707A, S4558A, S6644A, S6964A, S6973A, S4341A, S4667A.
Identifiers: ClinVar variation 2169897 (VCV002169897.2), dbSNP rs780581094, ClinGen allele CA3866630.
Genomic context (GRCh38, chr6:56,487,261, plus strand): 5'-CCTTCAGAGAACGTCCAGTCCTGTTGGTGGTGTCGTAGACAGAATGCTTGGCTCCGAGTG[A>C]TTTCTGAAACTCCTAAATATTTAACAAGAAAAAAATGCGAATTTCTTCTTGGGACTAATA-3'
Protein context (NP_001361665.1, residues 6954-6974): QLAQHKEFQK[Ser6964Ala]LGAKHSVYDT

ClinVar aggregate classification (germline): Uncertain significance (1 of 4 stars; one submission).

Conditions:
Hereditary sensory and autonomic neuropathy type 6. Also called: Neuropathy, hereditary sensory and autonomic, type VI; HSAN VI. Identifiers: Orphanet 314381, MedGen C3539003, MONDO:0013839, OMIM 614653.
Epidermolysis bullosa simplex 3, localized or generalized intermediate, with BP230 deficiency (EBS3). Also called: Epidermolysis bullosa simplex due to BP230 deficiency; Epidermolysis bullosa simplex, autosomal recessive 2. Identifiers: Orphanet 412181, MedGen C3809470, MONDO:0014180, OMIM 615425.

Allele frequency attached by ClinVar (database versions not stated): TOPMed below 0.00001; gnomAD exomes 0.00001; ExAC 0.00002.
gnomAD v4.1: 4 of 1,562,436 alleles (0.00026%); highest among the groups gnomAD compares: Admixed American, 0.0078%; no homozygotes.

Submission:

Labcorp Genetics (formerly Invitae), Labcorp
Classification: Uncertain significance for Epidermolysis bullosa simplex 3, localized or generalized intermediate, with BP230 deficiency; Hereditary sensory and autonomic neuropathy type 6. Last evaluated: 2022-03-20. Review status: criteria provided, single submitter. Criteria: Invitae Variant Classification Sherloc (09022015). Collection method: clinical testing. Allele origin: germline.
Comment: This sequence change replaces serine, which is neutral and polar, with alanine, which is neutral and non-polar, at codon 4341 of the DST protein (p.Ser4341Ala). In summary, the available evidence is currently insufficient to determine the role of this variant in disease. Therefore, it has been classified as a Variant of Uncertain Significance. Experimental studies and prediction algorithms are not available or were not evaluated, and the functional significance of this variant is currently unknown. This variant has not been reported in the literature in individuals affected with DST-related conditions. This variant is present in population databases (rs780581094, gnomAD 0.01%). The DST gene has multiple clinically relevant transcripts. This variant occurs in alternate transcript NM_015548.4, and corresponds to NM_001723.5:c.*128256T>G in the primary transcript.